The following is an entry in ClinVar:

NC_000023.10:g.(?_31332523)_(31525580_?)dup

Gene: DMD (dystrophin; minus strand). Cytogenetic location: Xp21.2-21.1.
Variant type: Duplication.
Identifiers: ClinVar variation 651818 (VCV000651818.2).

ClinVar aggregate classification (germline): Pathogenic (1 of 4 stars; one submission).

Conditions:
Duchenne muscular dystrophy (DMD). Also called: MUSCULAR DYSTROPHY, PSEUDOHYPERTROPHIC PROGRESSIVE, DUCHENNE TYPE; Duchenne Muscular Dystrophy (DMD). Identifiers: Orphanet 98896, MedGen C0013264, MONDO:0010679, OMIM 310200.

Submission:

Labcorp Genetics (formerly Invitae), Labcorp
Classification: Pathogenic for Duchenne muscular dystrophy. Last evaluated: 2019-10-31. Review status: criteria provided, single submitter. Criteria: Invitae Variant Classification Sherloc (09022015). Collection method: clinical testing. Allele origin: germline.
Comment: This variant is a gross duplication of the genomic region encompassing exons 56-62 of the DMD gene. While the exact position of the duplicated exons cannot be determined from this data, sub-genic duplications are generally in tandem (PMID: 25640679) and may result in an absent or disrupted protein product. Similar duplications of exons 56-62 have been reported in individuals affected with Duchenne muscular dystrophy (PMID: 19602481, 28610567). Loss-of-function variants in DMD are known to be pathogenic (PMID: 16770791, 25007885). For these reasons, this variant has been classified as Pathogenic.

Literature cited by the submitters: PubMed 28610567; PubMed 19602481.